The following is an entry in ClinVar:

NM_014974.3(DIP2C):c.2188A>G (p.Ile730Val)

Gene: DIP2C (DIP2 acetate--CoA ligase C (putative); minus strand). Cytogenetic location: 10p15.3.
Variant type: single nucleotide variant.
Coding change: c.2188A>G on transcript NM_014974.3 (MANE Select); coding-DNA position 2188, A replaced by G.
Protein change: p.Ile730Val; replaces isoleucine 730 with valine.
Molecular consequence: missense variant.
Genome position (GRCh38, 1-based): chr10:366,355, T>C on the plus strand (A>G on the coding strand, the complement: DIP2C is on the minus strand). VCF-style: chr10-366355-T-C. GRCh37 (hg19) VCF-style: chr10-412295-T-C.
Other names: short protein forms I730V.
Identifiers: ClinVar variation 1504331 (VCV001504331.8), dbSNP rs2132750736, ClinGen allele CA375834192.

ClinVar aggregate classification (germline): Uncertain significance (1 of 4 stars; one submission).

Submission:

Labcorp Genetics (formerly Invitae), Labcorp
Classification: Uncertain significance. Last evaluated: 2021-07-08. Review status: criteria provided, single submitter. Criteria: Invitae Variant Classification Sherloc (09022015). Collection method: clinical testing. Allele origin: germline.
Comment: This sequence change replaces isoleucine with valine at codon 730 of the DIP2C protein (p.Ile730Val). The isoleucine residue is highly conserved and there is a small physicochemical difference between isoleucine and valine. This variant is not present in population databases (ExAC no frequency). This variant has not been reported in the literature in individuals affected with DIP2C-related conditions. Algorithms developed to predict the effect of missense changes on protein structure and function output the following: SIFT: "Tolerated"; PolyPhen-2: "Benign"; Align-GVGD: "Class C0". The valine amino acid residue is found in multiple mammalian species, which suggests that this missense change does not adversely affect protein function. Algorithms developed to predict the effect of sequence changes on RNA splicing suggest that this variant may create or strengthen a splice site. In summary, the available evidence is currently insufficient to determine the role of this variant in disease. Therefore, it has been classified as a Variant of Uncertain Significance.